The following is an entry in ClinVar:

ClinVar aggregate classification (germline): Uncertain significance (1 of 4 stars; one submission).

Submission:

Ambry Genetics
Classification: Uncertain significance. Last evaluated: 2025-04-20. Review status: criteria provided, single submitter. Criteria: Ambry Variant Classification Scheme 2023. Collection method: clinical testing. Allele origin: germline.
Comment: The p.V166L variant (also known as c.496G>T), located in coding exon 1 of the CDK12 gene, results from a G to T substitution at nucleotide position 496. The valine at codon 166 is replaced by leucine, an amino acid with highly similar properties. This amino acid position is conserved. In addition, this alteration is predicted to be tolerated by in silico analysis. Based on the available evidence, the clinical significance of this variant remains unclear.

NM_016507.4(CDK12):c.496G>T (p.Val166Leu)

Genes: CDK12 (cyclin dependent kinase 12; plus strand), LOC126862553 (CDK7 strongly-dependent group 2 enhancer GRCh37_chr17:37618166-37619365; plus strand). Cytogenetic location: 17q12.
Variant type: single nucleotide variant.
Coding change: c.496G>T on transcript NM_016507.4 (MANE Select); coding-DNA position 496, G replaced by T.
Protein change: p.Val166Leu; replaces valine 166 with leucine.
Molecular consequence: missense variant.
Genome position (GRCh38, 1-based): chr17:39,462,567, G>T. VCF-style: chr17-39462567-G-T. GRCh37 (hg19) VCF-style: chr17-37618820-G-T.
Other names: c.496G>T, p.Val166Leu (NM_015083.4); short protein forms V166L.
Identifiers: ClinVar variation 3999386 (VCV003999386.1).
Genomic context (GRCh38, chr17:39,462,567, plus strand): 5'-CGGATATCGGGAAGTTCAAAGCGTTCGAATGAGGAGACTGATGACTATGGGAAGGCGCAG[G>T]TAGCCAAAAGCAGCAGCAAGGAATCCAGGTCATCCAAGCTCCACAAGGAGAAGACCAGGA-3'
Protein context (NP_057591.2, residues 156-176): EETDDYGKAQ[Val166Leu]AKSSSKESRS